The following is an entry in ClinVar:

NM_182641.4(BPTF):c.3476A>G (p.Lys1159Arg)

Gene: BPTF (bromodomain PHD finger transcription factor; plus strand). Cytogenetic location: 17q24.2.
Variant type: single nucleotide variant.
Coding change: c.3476A>G on transcript NM_182641.4 (MANE Select); coding-DNA position 3476, A replaced by G.
Protein change: p.Lys1159Arg; replaces lysine 1159 with arginine.
Molecular consequence: missense variant.
Genome position (GRCh38, 1-based): chr17:67,911,360, A>G. VCF-style: chr17-67911360-A-G. GRCh37 (hg19) VCF-style: chr17-65907476-A-G.
Other names: c.3854A>G, p.Lys1285Arg (NM_004459.7); short protein forms K1159R, K1285R.
Identifiers: ClinVar variation 2178508 (VCV002178508.4), dbSNP rs1384730707, ClinGen allele CA400726629.

ClinVar aggregate classification (germline): Uncertain significance (1 of 4 stars; one submission).

Allele frequency attached by ClinVar (database versions not stated): TOPMed below 0.00001; gnomAD 0.00001.
gnomAD v4.1: 3 of 1,613,984 alleles (0.00019%); highest among the groups gnomAD compares: Non-Finnish European, 0.00025%; no homozygotes.

Submission:

Labcorp Genetics (formerly Invitae), Labcorp
Classification: Uncertain significance. Last evaluated: 2022-03-21. Review status: criteria provided, single submitter. Criteria: Invitae Variant Classification Sherloc (09022015). Collection method: clinical testing. Allele origin: germline.
Comment: This variant has not been reported in the literature in individuals affected with BPTF-related conditions. This sequence change replaces lysine, which is basic and polar, with arginine, which is basic and polar, at codon 1285 of the BPTF protein (p.Lys1285Arg). Algorithms developed to predict the effect of missense changes on protein structure and function output the following: SIFT: "Tolerated"; PolyPhen-2: "Benign"; Align-GVGD: "Class C0". The arginine amino acid residue is found in multiple mammalian species, which suggests that this missense change does not adversely affect protein function. Algorithms developed to predict the effect of sequence changes on RNA splicing suggest that this variant may create or strengthen a splice site. In summary, the available evidence is currently insufficient to determine the role of this variant in disease. Therefore, it has been classified as a Variant of Uncertain Significance.